The following is an entry in ClinVar:

ClinVar aggregate classification (germline): Uncertain significance (1 of 4 stars; one submission).

Conditions:
Charcot-Marie-Tooth disease axonal type 2O. Also called: CHARCOT-MARIE-TOOTH NEUROPATHY, AXONAL, TYPE 2O; CHARCOT-MARIE-TOOTH DISEASE, AXONAL, AUTOSOMAL DOMINANT, TYPE 2O; Charcot-Marie-Tooth Neuropathy Type 2O; Charcot-Marie-Tooth disease, axonal, type 20. Identifiers: Orphanet 284232, MedGen C3280220, MONDO:0013644, OMIM 614228.

Submission:

Labcorp Genetics (formerly Invitae), Labcorp
Classification: Uncertain significance for Charcot-Marie-Tooth disease axonal type 2O. Last evaluated: 2022-11-15. Review status: criteria provided, single submitter. Criteria: Invitae Variant Classification Sherloc (09022015). Collection method: clinical testing. Allele origin: germline.
Comment: In summary, the available evidence is currently insufficient to determine the role of this variant in disease. Therefore, it has been classified as a Variant of Uncertain Significance. Advanced modeling of protein sequence and biophysical properties (such as structural, functional, and spatial information, amino acid conservation, physicochemical variation, residue mobility, and thermodynamic stability) has been performed at Invitae for this missense variant, however the output from this modeling did not meet the statistical confidence thresholds required to predict the impact of this variant on DYNC1H1 protein function. This variant has not been reported in the literature in individuals affected with DYNC1H1-related conditions. This variant is present in population databases (no rsID available, gnomAD 0.007%). This sequence change replaces aspartic acid, which is acidic and polar, with asparagine, which is neutral and polar, at codon 667 of the DYNC1H1 protein (p.Asp667Asn).

NM_001376.5(DYNC1H1):c.1999G>A (p.Asp667Asn)

Gene: DYNC1H1 (dynein cytoplasmic 1 heavy chain 1; plus strand). Cytogenetic location: 14q32.31.
Variant type: single nucleotide variant.
Coding change: c.1999G>A on transcript NM_001376.5 (MANE Select); coding-DNA position 1999, G replaced by A.
Protein change: p.Asp667Asn; replaces aspartic acid 667 with asparagine.
Molecular consequence: missense variant.
Genome position (GRCh38, 1-based): chr14:101,986,224, G>A. VCF-style: chr14-101986224-G-A. GRCh37 (hg19) VCF-style: chr14-102452561-G-A.
Other names: short protein forms D667N.
Identifiers: ClinVar variation 2009920 (VCV002009920.4), dbSNP rs1408892605, ClinGen allele CA391020229.